The following is an entry in ClinVar:

NM_001267550.2(TTN):c.92906G>A (p.Arg30969Gln)

Genes: TTN (titin; minus strand), TTN-AS1 (TTN antisense RNA 1; plus strand). Cytogenetic location: 2q31.2.
Variant type: single nucleotide variant.
Coding change: c.92906G>A on transcript NM_001267550.2 (MANE Select); coding-DNA position 92906, G replaced by A.
Protein change: p.Arg30969Gln; replaces arginine 30969 with glutamine.
Molecular consequence: missense variant.
Genome position (GRCh38, 1-based): chr2:178,548,720, C>T on the plus strand (G>A on the coding strand, the complement: TTN is on the minus strand). VCF-style: chr2-178548720-C-T. GRCh37 (hg19) VCF-style: chr2-179413447-C-T.
Other names: c.87983G>A, p.Arg29328Gln (NM_001256850.1); c.65711G>A, p.Arg21904Gln (NM_003319.4); c.85202G>A, p.Arg28401Gln (NM_133378.4); c.66086G>A, p.Arg22029Gln (NM_133432.3); c.66287G>A, p.Arg22096Gln (NM_133437.4); short protein forms R21904Q, R22029Q, R22096Q, R28401Q, R29328Q, R30969Q.
Identifiers: ClinVar variation 2437564 (VCV002437564.4), dbSNP rs751345368, ClinGen allele CA1987387.

ClinVar aggregate classification (germline): Uncertain significance. Review status: criteria provided, multiple submitters, no conflicts (2 of 4 stars). 2 submissions from 2 submitters: Uncertain significance (2). Last evaluated 2026-07-01.

Conditions:
TTN-related disorder. Also called: TTN-related condition; TTN-related disease; TTN-related disorders.

Allele frequency attached by ClinVar (database versions not stated): ExAC 0.00001.
gnomAD v4.1: 8 of 1,613,748 alleles (0.0005%); highest among the groups gnomAD compares: Admixed American, 0.0033%; no homozygotes.

Submissions (2):

PreventionGenetics, part of Exact Sciences
Classification: Uncertain significance for TTN-related condition. Last evaluated: 2026-07-01. Review status: criteria provided, single submitter. Criteria: ACMG Guidelines, 2015. Collection method: clinical testing. Allele origin: germline.
Comment: The TTN c.92906G>A variant is predicted to result in the amino acid substitution p.Arg30969Gln. To our knowledge, this variant has not been reported in the literature. This variant is reported in 0.0058% of alleles in individuals of Latino descent in gnomAD. At this time, the clinical significance of this variant is uncertain due to the absence of conclusive functional and genetic evidence.

Revvity Omics, Revvity
Classification: Uncertain significance. Last evaluated: 2022-03-10. Review status: criteria provided, single submitter. Criteria: ACMG Guidelines, 2015. Collection method: clinical testing. Allele origin: germline.